The following is an entry in ClinVar:

NM_000152.5(GAA):c.921A>T (p.Ala307=)

Gene: GAA (alpha glucosidase; plus strand). Cytogenetic location: 17q25.3.
Variant type: single nucleotide variant.
Coding change: c.921A>T on transcript NM_000152.5 (MANE Select); coding-DNA position 921, A replaced by T.
Protein change: p.Ala307=; no amino-acid change (alanine 307 retained).
Molecular consequence: synonymous variant.
Genome position (GRCh38, 1-based): chr17:80,107,862, A>T. VCF-style: chr17-80107862-A-T. GRCh37 (hg19) VCF-style: chr17-78081661-A-T.
Other names: NM_000152.5(GAA):c.921A>T; p.Ala307=; c.921A>T, p.Ala307= (NM_001079803.3, NM_001079804.3); c.921A>T, p.(=) (LRG_673t1).
Identifiers: ClinVar variation 92490 (VCV000092490.38), dbSNP rs1800303, ClinGen allele CA145795.

ClinVar aggregate classification (germline): Benign. Review status: reviewed by expert panel (3 of 4 stars). 18 submissions from 18 submitters: Benign (1). 17 of the submissions do not count toward it. Last evaluated 2021-08-25.

Conditions:
Glycogen storage disease, type II (IOPD). Also called: POMPE DISEASE, INFANTILE-ONSET; GLYCOGEN STORAGE DISEASE II, INFANTILE-ONSET; ACID ALPHA-GLUCOSIDASE DEFICIENCY, INFANTILE-ONSET; GAA DEFICIENCY, INFANTILE-ONSET; ACID MALTASE DEFICIENCY, INFANTILE-ONSET; Glucosidase acid-1,4-alpha deficiency. Identifiers: Orphanet 365, MedGen C0017921, MONDO:0009290, OMIM 232300.
Cardiovascular phenotype. Identifiers: MedGen CN230736.

Allele frequency attached by ClinVar (database versions not stated): gnomAD exomes 0.06663 and 0.07203; ExAC 0.08025; gnomAD 0.10898 and 0.11304; 1000 Genomes Project 0.11022; TOPMed 0.11318; 1000 Genomes Project 30x 0.11321; ESP Exome Variant Server 0.12131.
gnomAD v4.1: 114,287 of 1,611,428 alleles (7.1%); highest among the groups gnomAD compares: African/African-American, 23%; 5,472 homozygotes.

Submissions (18):

ClinGen Lysosomal Storage Disorder Variant Curation Expert Panel
Classification: Benign for Glycogen storage disease, type II. Last evaluated: 2021-08-25. Review status: reviewed by expert panel. Criteria: clingen_lsd_acmg_specifications_v2-1. Collection method: curation. Allele origin: germline. Inheritance: Autosomal recessive inheritance.
Comment: The NM_000152.5: c.921A>T (p.Ala307=) variant is a synonymous (silent) variant. The highest population minor allele frequency in gnomAD v2.1.1 is 0.23520 (569/24196 alleles, with 666 homozygotes) in the African population, which is higher than the ClinGen LSD VCEP’s threshold for BA1 (>0.01), and therefore meets this criterion (BA1). There is a ClinVar entry for this variant (Variation ID: 92490; 2 star review status) with eight submitters classifying the variant as benign. In summary, this variant meets the criteria to be classified as benign for Pompe disease. ACMG/AMP criteria met, as specified by the ClinGen Lysosomal Storage Disorders Expert Panel (Specification Version 2.0): BA1. (Classification approved: August 17, 2021).

Genomenon, Inc
Classification: Benign for Glycogen storage disease, type II. Last evaluated: 2026-07-01. Review status: criteria provided, single submitter. Criteria: Genomenon Sequence Variant Interpretation Standards - Updated. Collection method: curation. Allele origin: germline. Affected: no. Not counted in ClinVar's aggregate classification.
Comment: GAA c.921A>T is a synonymous variant that retains Alanine at codon 307. This variant is present at high allele frequency in population databases. We classify GAA c.921A>T (p.Ala307=) as a benign variant.

Labcorp Genetics (formerly Invitae), Labcorp
Classification: Benign for Glycogen storage disease, type II. Last evaluated: 2026-02-04. Review status: criteria provided, single submitter. Criteria: Invitae Variant Classification Sherloc (09022015). Collection method: clinical testing. Allele origin: germline. Not counted in ClinVar's aggregate classification.

Blueprint Genetics
Classification: Benign. Last evaluated: 2024-11-28. Review status: criteria provided, single submitter. Criteria: ACMG Guidelines, 2015. Collection method: clinical testing. Allele origin: germline. Not counted in ClinVar's aggregate classification.

Genome-Nilou Lab
Classification: Benign for Glycogen storage disease, type II. Last evaluated: 2021-06-10. Review status: criteria provided, single submitter. Criteria: ACMG Guidelines, 2015. Collection method: clinical testing. Allele origin: germline. Affected: no. Not counted in ClinVar's aggregate classification.

Ambry Genetics
Classification: Benign for Cardiovascular phenotype. Last evaluated: 2019-03-01. Review status: criteria provided, single submitter. Criteria: Ambry Variant Classification Scheme 2023. Collection method: clinical testing. Allele origin: germline. Not counted in ClinVar's aggregate classification.

Illumina Laboratory Services, Illumina
Classification: Benign for Glycogen storage disease, type II. Last evaluated: 2018-01-12. Review status: criteria provided, single submitter. Criteria: ICSL Variant Classification Criteria 13 December 2019. Collection method: clinical testing. Allele origin: germline. Not counted in ClinVar's aggregate classification.
Comment: This variant was observed in the ICSL laboratory as part of a predisposition screen in an ostensibly healthy population. It had not been previously curated by ICSL or reported in the Human Gene Mutation Database (HGMD: prior to June 1st, 2018), and was therefore a candidate for classification through an automated scoring system. Utilizing variant allele frequency, disease prevalence and penetrance estimates, and inheritance mode, an automated score was calculated to assess if this variant is too frequent to cause the disease. Based on the score and internal cut-off values, a variant classified as benign is not then subjected to further curation. The score for this variant resulted in a classification of benign for this disease.

Phosphorus, Inc.
Classification: Benign for Glycogen storage disease, type II. Last evaluated: 2017-08-01. Review status: criteria provided, single submitter. Criteria: ACMG Guidelines, 2015. Collection method: clinical testing. Allele origin: germline. Observed: 2 variant alleles. Not counted in ClinVar's aggregate classification.

GeneDx
Classification: Benign. Last evaluated: 2015-03-03. Review status: criteria provided, single submitter. Criteria: GeneDx Variant Classification Process June 2021. Collection method: clinical testing. Allele origin: germline. Affected: yes. Not counted in ClinVar's aggregate classification.

Eurofins Ntd Llc (ga)
Classification: Benign. Last evaluated: 2014-06-04. Review status: criteria provided, single submitter. Criteria: EGL Classification Definitions 2015. Collection method: clinical testing. Allele origin: germline. Observed: 23 variant alleles, 20 heterozygotes, 3 homozygotes. Not counted in ClinVar's aggregate classification.

Genetic Services Laboratory, University of Chicago
Classification: Benign for AllHighlyPenetrant. Last evaluated: 2013-08-15. Review status: criteria provided, single submitter. Criteria: ACMG Guidelines, 2007. Collection method: clinical testing. Allele origin: germline. Inheritance: Autosomal recessive inheritance. Not counted in ClinVar's aggregate classification.

Breakthrough Genomics
Classification: Benign. Review status: criteria provided, single submitter. Criteria: ACMG Guidelines, 2015. Collection method: not provided. Allele origin: germline. Inheritance: Autosomal recessive inheritance. Affected: yes. Not counted in ClinVar's aggregate classification.

PreventionGenetics, part of Exact Sciences
Classification: Benign. Review status: criteria provided, single submitter. Criteria: ACMG Guidelines, 2015. Collection method: clinical testing. Allele origin: germline. Not counted in ClinVar's aggregate classification.

Natera, Inc.
Classification: Benign for Glycogen storage disease type II. Last evaluated: 2019-11-21. Review status: no assertion criteria provided. Collection method: clinical testing. Allele origin: germline. Not counted in ClinVar's aggregate classification.

Mayo Clinic Laboratories, Mayo Clinic
Classification: Benign. Last evaluated: 2017-02-27. Review status: no assertion criteria provided. Collection method: clinical testing. Allele origin: unknown. Not counted in ClinVar's aggregate classification.

Clinical Genetics DNA and cytogenetics Diagnostics Lab, Erasmus MC, Erasmus Medical Center
Classification: Benign. Review status: no assertion criteria provided. Collection method: clinical testing. Allele origin: germline. Affected: yes. Study: VKGL Data-share Consensus. Not counted in ClinVar's aggregate classification.

Genome Diagnostics Laboratory, University Medical Center Utrecht
Classification: Benign. Review status: no assertion criteria provided. Collection method: clinical testing. Allele origin: germline. Affected: yes. Study: VKGL Data-share Consensus. Not counted in ClinVar's aggregate classification.

Joint Genome Diagnostic Labs from Nijmegen and Maastricht, Radboudumc and MUMC+
Classification: Benign. Review status: no assertion criteria provided. Collection method: clinical testing. Allele origin: germline. Affected: yes. Study: VKGL Data-share Consensus. Not counted in ClinVar's aggregate classification.

Literature cited by the submitters: PubMed 18414213 (cited by Phosphorus, Inc.); PubMed 23757202 (cited by Phosphorus, Inc.).